The following is an entry in ClinVar:

ClinVar aggregate classification (germline): Uncertain significance (1 of 4 stars; one submission).

Conditions:
ACACB-related disorder. Also called: ACACB-related condition.

gnomAD v4.1: 5 of 1,613,194 alleles (0.00031%); highest among the groups gnomAD compares: Admixed American, 0.0067%; no homozygotes.

Submission:

PreventionGenetics, part of Exact Sciences
Classification: Uncertain significance for ACACB-related condition. Last evaluated: 2025-03-20. Review status: criteria provided, single submitter. Criteria: ACMG Guidelines, 2015. Collection method: clinical testing. Allele origin: germline.
Comment: The ACACB c.1035G>C variant is predicted to result in the amino acid substitution p.Gln345His. To our knowledge, this variant has not been reported in the literature. This variant is reported in 0.012% of alleles in individuals of Latino descent in gnomAD. At this time, the clinical significance of this variant is uncertain due to the absence of conclusive functional and genetic evidence.

NM_001093.4(ACACB):c.1035G>C (p.Gln345His)

Gene: ACACB (acetyl-CoA carboxylase beta; plus strand). Cytogenetic location: 12q24.11.
Variant type: single nucleotide variant.
Coding change: c.1035G>C on transcript NM_001093.4 (MANE Select); coding-DNA position 1035, G replaced by C.
Protein change: p.Gln345His; replaces glutamine 345 with histidine.
Molecular consequence: missense variant.
Genome position (GRCh38, 1-based): chr12:109,171,914, G>C. VCF-style: chr12-109171914-G-C. GRCh37 (hg19) VCF-style: chr12-109609719-G-C.
Other names: c.1035G>C, p.Gln345His (NM_001412734.1, NM_001412735.1); c.429G>C, p.Gln143His (NM_001412736.1, NM_001412738.1, NM_001412739.1 and 2 more transcripts); c.408G>C, p.Gln136His (NM_001412737.1); short protein forms Q345H, Q136H, Q143H.
Identifiers: ClinVar variation 4978277 (VCV004978277.1).